The following is an entry in ClinVar:

NM_000548.5(TSC2):c.1385G>C (p.Arg462Pro)

Gene: TSC2 (TSC complex subunit 2; plus strand). Cytogenetic location: 16p13.3.
Variant type: single nucleotide variant.
Coding change: c.1385G>C on transcript NM_000548.5 (MANE Select); coding-DNA position 1385, G replaced by C.
Protein change: p.Arg462Pro; replaces arginine 462 with proline.
Molecular consequence: missense variant. On other transcripts: non-coding transcript variant (5), intron variant (1).
Genome position (GRCh38, 1-based): chr16:2,062,995, G>C. VCF-style: chr16-2062995-G-C. GRCh37 (hg19) VCF-style: chr16-2112996-G-C.
Other names: c.1385G>C, p.Arg462Pro (NM_001077183.3, NM_001114382.3, NM_001363528.2 and 6 more transcripts); c.1274G>C, p.Arg425Pro (NM_001318827.2, NM_001406670.1, NM_001406678.1); c.1238G>C, p.Arg413Pro (NM_001318829.2, NM_001406675.1, NM_001406676.1 and 1 more transcripts); c.785G>C, p.Arg262Pro (NM_001318831.2, NM_001406683.1, NM_001406684.1 and 6 more transcripts); c.1418G>C, p.Arg473Pro (NM_001318832.2); c.1475G>C, p.Arg492Pro (NM_001406667.1, NM_001406668.1); c.41G>C, p.Arg14Pro (NM_001406689.1, NM_001406690.1, NM_001406691.1 and 6 more transcripts); c.-160+395G>C (NM_001406698.1); and 3 more; short protein forms R262P, R443P, R462P, R14P, R425P, R473P, R308P, R413P.
Identifiers: ClinVar variation 2779962 (VCV002779962.3), dbSNP rs45494392, ClinGen allele CA394323727.
Genomic context (GRCh38, chr16:2,062,995, plus strand): 5'-CACTCCCCACCCGCCCCAGCAGGCTGCCGTCCCGCAGGAGCGAGTCCCGAGGCGCCGTGC[G>C]CATCAAGGTGCTGGACGTGCTGTCCTTTGTGCTGCTCATCAACAGGCAGTTCTATGAGGT-3'
Protein context (NP_000539.2, residues 452-472): FFRSESRGAV[Arg462Pro]IKVLDVLSFV

ClinVar aggregate classification (germline): Uncertain significance (1 of 4 stars; one submission).

Conditions:
Tuberous sclerosis 2 (TSC2). Identifiers: Orphanet 805, MedGen C1860707, MONDO:0013199, OMIM 613254.

Submission:

Labcorp Genetics (formerly Invitae), Labcorp
Classification: Uncertain significance for Tuberous sclerosis 2. Last evaluated: 2025-09-02. Review status: criteria provided, single submitter. Criteria: Invitae Variant Classification Sherloc (09022015). Collection method: clinical testing. Allele origin: germline.
Comment: This sequence change replaces arginine, which is basic and polar, with proline, which is neutral and non-polar, at codon 462 of the TSC2 protein (p.Arg462Pro). This variant is not present in population databases (gnomAD no frequency). This variant has not been reported in the literature in individuals affected with TSC2-related conditions. This variant is also known as c.1385_1386delinsCT. ClinVar contains an entry for this variant (Variation ID: 2779962). Invitae Evidence Modeling of protein sequence and biophysical properties (such as structural, functional, and spatial information, amino acid conservation, physicochemical variation, residue mobility, and thermodynamic stability) indicates that this missense variant is not expected to disrupt TSC2 protein function with a negative predictive value of 95%. Experimental studies have shown that this missense change affects TSC2 function (PMID: 21309039). In summary, the available evidence is currently insufficient to determine the role of this variant in disease. Therefore, it has been classified as a Variant of Uncertain Significance.

Literature cited by the submitters: PubMed 21309039.